The following is an entry in ClinVar:

ClinVar aggregate classification (germline): Benign (1 of 4 stars; one submission).

Conditions:
Genetic hearing loss. Also called: Hereditary hearing loss; Hereditary hearing disorder. Identifiers: MedGen C0236038.

gnomAD v4.1: 7 of 1,614,154 alleles (0.00043%); highest among the groups gnomAD compares: South Asian, 0.0011%; no homozygotes.

Submission:

Cellular and Molecular Research Center, Cellular and Molecular Medicine Research Institute,, Urmia University of Medical Sciences
Classification: Benign for Genetic hearing loss. Last evaluated: 2026-10-18. Review status: criteria provided, single submitter. Criteria: ACMG Guidelines, 2015. Collection method: clinical testing. Allele origin: germline. Inheritance: Autosomal dominant inheritance. Affected: yes. Observed: 1 variant allele, 1 heterozygote.
Comment: The MYO1A gene encodes myosin-1A, an unconventional actin-dependent motor protein involved in intracellular transport and organization of cellular structures. The gene was initially investigated as a candidate for hearing loss because of its expression in the cochlea and its potential role in sensory-cell function. The variant c.1534-1G>A is a single-nucleotide substitution at position −1 of an intron, immediately adjacent to the exon–intron boundary. Guanine (G), a purine, is replaced by adenine (A), also a purine. Therefore, it is a purine-to-purine transition and affects the canonical splice-acceptor site.This change may disrupt normal pre-mRNA splicing, potentially causing exon skipping or intron retention. Depending on the resulting transcript, it could produce a frameshift, a premature stop codon or an abnormal MYO1A protein. However, the actual splicing outcome has not been experimentally established for this variant. This variant should not automatically be classified as pathogenic for hearing loss simply because it affects a splice site.

Literature cited by the submitters: PubMed 12736868.

NM_005379.4(MYO1A):c.1534-1G>A

Gene: MYO1A (myosin IA; minus strand). Cytogenetic location: 12q13.3.
Variant type: single nucleotide variant.
Coding change: c.1534-1G>A on transcript NM_005379.4 (MANE Select); the canonical splice acceptor site of the intron before coding-DNA position 1534, G replaced by A.
Molecular consequence: splice acceptor variant.
Genome position (GRCh38, 1-based): chr12:57,038,639, C>T on the plus strand (G>A on the coding strand, the complement: MYO1A is on the minus strand). VCF-style: chr12-57038639-C-T. GRCh37 (hg19) VCF-style: chr12-57432423-C-T.
Other names: c.1534-1G>A (NM_001256041.2).
Identifiers: ClinVar variation 5042751 (VCV005042751.1).